The following is an entry in ClinVar:

NM_015338.6(ASXL1):c.1824G>C (p.Trp608Cys)

Gene: ASXL1 (ASXL transcriptional regulator 1; plus strand). Cytogenetic location: 20q11.21.
Variant type: single nucleotide variant.
Coding change: c.1824G>C on transcript NM_015338.6 (MANE Select); coding-DNA position 1824, G replaced by C.
Protein change: p.Trp608Cys; replaces tryptophan 608 with cysteine.
Molecular consequence: missense variant.
Genome position (GRCh38, 1-based): chr20:32,434,536, G>C. VCF-style: chr20-32434536-G-C. GRCh37 (hg19) VCF-style: chr20-31022339-G-C.
Other names: c.1641G>C, p.Trp547Cys (NM_001363734.1); short protein forms W547C, W608C.
Identifiers: ClinVar variation 2414102 (VCV002414102.8), dbSNP rs1434857838, ClinGen allele CA408557998.

ClinVar aggregate classification (germline): Uncertain significance. Review status: criteria provided, multiple submitters, no conflicts (2 of 4 stars). 2 submissions from 2 submitters: Uncertain significance (2). Last evaluated 2025-02-12.

Conditions:
Inborn genetic diseases. Identifiers: MedGen C0950123, MeSH D030342.

Allele frequency attached by ClinVar (database versions not stated): gnomAD exomes below 0.00001; gnomAD 0.00001.
gnomAD v4.1: 3 of 1,613,808 alleles (0.00019%); highest among the groups gnomAD compares: African/African-American, 0.0027%; no homozygotes.

Submissions (2):

Ambry Genetics
Classification: Uncertain significance for Inborn genetic diseases. Last evaluated: 2025-02-12. Review status: criteria provided, single submitter. Criteria: Ambry Variant Classification Scheme 2023. Collection method: clinical testing. Allele origin: germline.
Comment: The p.W608C variant (also known as c.1824G>C), located in coding exon 13 of the ASXL1 gene, results from a G to C substitution at nucleotide position 1824. The tryptophan at codon 608 is replaced by cysteine, an amino acid with highly dissimilar properties. This amino acid position is conserved. In addition, this alteration is predicted to be tolerated by in silico analysis. Based on the available evidence, the clinical significance of this variant remains unclear.

Labcorp Genetics (formerly Invitae), Labcorp
Classification: Uncertain significance. Last evaluated: 2022-09-27. Review status: criteria provided, single submitter. Criteria: Invitae Variant Classification Sherloc (09022015). Collection method: clinical testing. Allele origin: germline.
Comment: In summary, the available evidence is currently insufficient to determine the role of this variant in disease. Therefore, it has been classified as a Variant of Uncertain Significance. Algorithms developed to predict the effect of missense changes on protein structure and function are either unavailable or do not agree on the potential impact of this missense change (SIFT: "Tolerated"; PolyPhen-2: "Possibly Damaging"; Align-GVGD: "Class C0"). This variant has not been reported in the literature in individuals affected with ASXL1-related conditions. This variant is present in population databases (no rsID available, gnomAD 0.01%). This sequence change replaces tryptophan, which is neutral and slightly polar, with cysteine, which is neutral and slightly polar, at codon 608 of the ASXL1 protein (p.Trp608Cys).